The following is an entry in ClinVar:

NM_001387430.1(SH2B1):c.947G>A (p.Arg316Gln)

Gene: SH2B1 (SH2B adaptor protein 1; plus strand). Cytogenetic location: 16p11.2.
Variant type: single nucleotide variant.
Coding change: c.947G>A on transcript NM_001387430.1 (MANE Select); coding-DNA position 947, G replaced by A.
Protein change: p.Arg316Gln; replaces arginine 316 with glutamine.
Molecular consequence: missense variant. On other transcripts: intron variant (1).
Genome position (GRCh38, 1-based): chr16:28,867,338, G>A. VCF-style: chr16-28867338-G-A. GRCh37 (hg19) VCF-style: chr16-28878659-G-A.
Other names: NC_000016.9:g.28878659G>A; c.947G>A, p.Arg316Gln (NM_001145795.2, NM_001145796.2, NM_001145797.2 and 4 more transcripts); c.-26-36G>A (NM_001308294.2); c.947G>A (NM_001145795.1); short protein forms R316Q.
Identifiers: ClinVar variation 4410401 (VCV004410401.2).

ClinVar aggregate classification (germline): Uncertain significance (1 of 4 stars; one submission).

Conditions:
SH2B1-related disorder. Also called: SH2B1-related condition.

Submissions (2):

PreventionGenetics, part of Exact Sciences
Classification: Uncertain significance for SH2B1-related condition. Last evaluated: 2025-07-14. Review status: criteria provided, single submitter. Criteria: ACMG Guidelines, 2015. Collection method: clinical testing. Allele origin: germline.
Comment: The SH2B1 c.947G>A variant is predicted to result in the amino acid substitution p.Arg316Gln. To our knowledge, this variant has not been reported in the literature. This variant is reported in 0.0029% of alleles in individuals of Latino descent in gnomAD. At this time, the clinical significance of this variant is uncertain due to the absence of conclusive functional and genetic evidence.

Dr. Peter K. Rogan Lab, Western University
No classification provided (evidence only). Condition: Cervical cancer. Review status: no classification provided. Collection method: in vitro. Allele origin: not applicable. Functional consequence: retained intron. Not counted in ClinVar's aggregate classification.